The following is an entry in ClinVar:

ClinVar aggregate classification (germline): Uncertain significance (1 of 4 stars; one submission).

Submission:

Ambry Genetics
Classification: Uncertain significance. Last evaluated: 2022-08-22. Review status: criteria provided, single submitter. Criteria: Ambry Variant Classification Scheme 2023. Collection method: clinical testing. Allele origin: germline.
Comment: The p.S396Y variant (also known as c.1187C>A), located in coding exon 10 of the BUB1 gene, results from a C to A substitution at nucleotide position 1187. The serine at codon 396 is replaced by tyrosine, an amino acid with dissimilar properties. This amino acid position is conserved. In addition, this alteration is predicted to be tolerated by in silico analysis. Since supporting evidence is limited at this time, the clinical significance of this alteration remains unclear.

NM_004336.5(BUB1):c.1187C>A (p.Ser396Tyr)

Gene: BUB1 (BUB1 mitotic checkpoint serine/threonine kinase; minus strand). Cytogenetic location: 2q13.
Variant type: single nucleotide variant.
Coding change: c.1187C>A on transcript NM_004336.5 (MANE Select); coding-DNA position 1187, C replaced by A.
Protein change: p.Ser396Tyr; replaces serine 396 with tyrosine.
Molecular consequence: missense variant.
Genome position (GRCh38, 1-based): chr2:110,661,612, G>T on the plus strand (C>A on the coding strand, the complement: BUB1 is on the minus strand). VCF-style: chr2-110661612-G-T. GRCh37 (hg19) VCF-style: chr2-111419189-G-T.
Other names: c.1127C>A, p.Ser376Tyr (NM_001278616.2); c.1187C>A, p.Ser396Tyr (NM_001278617.2); short protein forms S376Y, S396Y.
Identifiers: ClinVar variation 1743729 (VCV001743729.2), dbSNP rs2468017203, ClinGen allele CA348214232.